The following is an entry in ClinVar:

ClinVar aggregate classification (germline): Uncertain significance (1 of 4 stars; one submission).

Conditions:
Early-infantile DEE. Also called: Ohtahara syndrome; Early infantile epileptic encephalopathy; Early infantile epileptic encephalopathy with suppression bursts. Identifiers: Orphanet 1934, MedGen C0393706, MONDO:0800491.

gnomAD v4.1: 1 of 1,614,038 alleles (0.000062%); highest among the groups gnomAD compares: Non-Finnish European, 0.000085%; no homozygotes.

Submission:

Labcorp Genetics (formerly Invitae), Labcorp
Classification: Uncertain significance for Early-infantile DEE. Last evaluated: 2025-09-15. Review status: criteria provided, single submitter. Criteria: Invitae Variant Classification Sherloc (09022015). Collection method: clinical testing. Allele origin: germline.
Comment: This sequence change replaces serine, which is neutral and polar, with proline, which is neutral and non-polar, at codon 279 of the KCNH5 protein (p.Ser279Pro). This variant is present in population databases (no rsID available, gnomAD 0.007%). This variant has not been reported in the literature in individuals affected with KCNH5-related conditions. Invitae Evidence Modeling of protein sequence and biophysical properties (such as structural, functional, and spatial information, amino acid conservation, physicochemical variation, residue mobility, and thermodynamic stability) indicates that this missense variant is expected to disrupt KCNH5 protein function with a positive predictive value of 80%. In summary, the available evidence is currently insufficient to determine the role of this variant in disease. Therefore, it has been classified as a Variant of Uncertain Significance.

NM_139318.5(KCNH5):c.835T>C (p.Ser279Pro)

Gene: KCNH5 (potassium voltage-gated channel subfamily H member 5; minus strand). Cytogenetic location: 14q23.2.
Variant type: single nucleotide variant.
Coding change: c.835T>C on transcript NM_139318.5 (MANE Select); coding-DNA position 835, T replaced by C.
Protein change: p.Ser279Pro; replaces serine 279 with proline.
Molecular consequence: missense variant.
Genome position (GRCh38, 1-based): chr14:62,980,979, A>G on the plus strand (T>C on the coding strand, the complement: KCNH5 is on the minus strand). VCF-style: chr14-62980979-A-G. GRCh37 (hg19) VCF-style: chr14-63447697-A-G.
Other names: c.835T>C, p.Ser279Pro (NM_172375.3); short protein forms S279P.
Identifiers: ClinVar variation 4753402 (VCV004753402.1).